The following is an entry in ClinVar:

ClinVar aggregate classification (germline): Benign/Likely benign. Review status: criteria provided, multiple submitters, no conflicts (2 of 4 stars). 2 submissions from 2 submitters: Benign (1); Likely benign (1). Last evaluated 2025-06-24.

Conditions:
KMT2D-related disorder. Also called: KMT2D-Related Disorders.
Kabuki syndrome. Also called: NIIKAWA-KUROKI SYNDROME; Kabuki make-up syndrome. Identifiers: Orphanet 2322, MedGen C0796004, MONDO:0016512.

Allele frequency attached by ClinVar (database versions not stated): gnomAD exomes 0.00002; ExAC 0.00004; gnomAD 0.00013 and 0.00014; TOPMed 0.00014; ESP Exome Variant Server 0.00017.
gnomAD v4.1: 46 of 1,612,420 alleles (0.0029%); highest among the groups gnomAD compares: African/African-American, 0.047%; no homozygotes.

Submissions (2):

Labcorp Genetics (formerly Invitae), Labcorp
Classification: Benign for Kabuki syndrome. Last evaluated: 2025-06-24. Review status: criteria provided, single submitter. Criteria: Invitae Variant Classification Sherloc (09022015). Collection method: clinical testing. Allele origin: germline.

PreventionGenetics, part of Exact Sciences
Classification: Likely benign for KMT2D-related condition. Last evaluated: 2025-01-22. Review status: criteria provided, single submitter. Criteria: ACMG Guidelines, 2015. Collection method: clinical testing. Allele origin: germline.
Comment: This variant is classified as likely benign based on ACMG/AMP sequence variant interpretation guidelines (Richards et al. 2015 PMID: 25741868, with internal and published modifications).

NM_003482.4(KMT2D):c.13010C>G (p.Pro4337Arg)

Gene: KMT2D (lysine methyltransferase 2D; minus strand). Cytogenetic location: 12q13.12.
Variant type: single nucleotide variant.
Coding change: c.13010C>G on transcript NM_003482.4 (MANE Select); coding-DNA position 13010, C replaced by G.
Protein change: p.Pro4337Arg; replaces proline 4337 with arginine.
Molecular consequence: missense variant.
Genome position (GRCh38, 1-based): chr12:49,031,695, G>C on the plus strand (C>G on the coding strand, the complement: KMT2D is on the minus strand). VCF-style: chr12-49031695-G-C. GRCh37 (hg19) VCF-style: chr12-49425478-G-C.
Other names: c.13010C>G (NM_003482.3); short protein forms P4337R.
Identifiers: ClinVar variation 1346506 (VCV001346506.7), dbSNP rs369802222, ClinGen allele CA6546088.